The following is an entry in ClinVar:

ClinVar aggregate classification (germline): Uncertain significance (1 of 4 stars; one submission).

Allele frequency attached by ClinVar (database versions not stated): TOPMed below 0.00001; gnomAD 0.00001; gnomAD exomes 0.00001.
gnomAD v4.1: 8 of 1,569,482 alleles (0.00051%); highest among the groups gnomAD compares: Non-Finnish European, 0.00069%; no homozygotes.

Submission:

Labcorp Genetics (formerly Invitae), Labcorp
Classification: Uncertain significance. Last evaluated: 2024-06-05. Review status: criteria provided, single submitter. Criteria: Invitae Variant Classification Sherloc (09022015). Collection method: clinical testing. Allele origin: germline.
Comment: This sequence change replaces valine, which is neutral and non-polar, with alanine, which is neutral and non-polar, at codon 401 of the COL9A3 protein (p.Val401Ala). The frequency data for this variant in the population databases is considered unreliable, as metrics indicate poor data quality at this position in the gnomAD database. This variant has not been reported in the literature in individuals affected with COL9A3-related conditions. ClinVar contains an entry for this variant (Variation ID: 1433169). Advanced modeling of protein sequence and biophysical properties (such as structural, functional, and spatial information, amino acid conservation, physicochemical variation, residue mobility, and thermodynamic stability) performed at Invitae indicates that this missense variant is not expected to disrupt COL9A3 protein function with a negative predictive value of 95%. In summary, the available evidence is currently insufficient to determine the role of this variant in disease. Therefore, it has been classified as a Variant of Uncertain Significance.

NM_001853.4(COL9A3):c.1202T>C (p.Val401Ala)

Gene: COL9A3 (collagen type IX alpha 3 chain; plus strand). Cytogenetic location: 20q13.33.
Variant type: single nucleotide variant.
Coding change: c.1202T>C on transcript NM_001853.4 (MANE Select); coding-DNA position 1202, T replaced by C.
Protein change: p.Val401Ala; replaces valine 401 with alanine.
Molecular consequence: missense variant.
Genome position (GRCh38, 1-based): chr20:62,830,400, T>C. VCF-style: chr20-62830400-T-C. GRCh37 (hg19) VCF-style: chr20-61461752-T-C.
Other names: short protein forms V401A.
Identifiers: ClinVar variation 1433169 (VCV001433169.8), dbSNP rs1325987483, ClinGen allele CA409594560.